The following is an entry in ClinVar:

NM_152281.3(GORAB):c.103C>T (p.Arg35Ter)

Gene: GORAB (golgin, RAB6 interacting; plus strand). Cytogenetic location: 1q24.2.
Variant type: single nucleotide variant.
Coding change: c.103C>T on transcript NM_152281.3 (MANE Select); coding-DNA position 103, C replaced by T.
Protein change: p.Arg35Ter; replaces arginine 35 with a stop codon.
Molecular consequence: nonsense. On other transcripts: 5 prime UTR variant (1), non-coding transcript variant (1).
Genome position (GRCh38, 1-based): chr1:170,539,251, C>T. VCF-style: chr1-170539251-C-T. GRCh37 (hg19) VCF-style: chr1-170508392-C-T.
Other names: c.103C>T, p.Arg35Ter (NM_001146039.2); c.-363C>T (NM_001320252.2); short protein forms R35*.
Identifiers: ClinVar variation 1703424 (VCV001703424.11), dbSNP rs752751787, ClinGen allele CA1239043.
Genomic context (GRCh38, chr1:170,539,251, plus strand): 5'-TCTATTTTCTTTTACATAGATCCATTTGAACCACAGCGACGTCTCCCCGCGAAGAAAAGT[C>T]GACAACAACTTCAGCGAGAAAAAGCCCTTGTAGAGCAAAGCCAAAAACTTGGGCTTCAAG-3'

ClinVar aggregate classification (germline): Pathogenic. Review status: criteria provided, multiple submitters, no conflicts (2 of 4 stars). 5 submissions from 5 submitters: Pathogenic (5). Last evaluated 2025-11-22.

Conditions:
Geroderma osteodysplastica (GO). Also called: WALT DISNEY DWARFISM; Geroderma osteodysplasticum. Identifiers: Orphanet 2078, MedGen C0432255, MONDO:0009271, OMIM 231070.
Inborn genetic diseases. Identifiers: MedGen C0950123, MeSH D030342.

Allele frequency attached by ClinVar (database versions not stated): ExAC 0.00006.

Submissions (5):

Labcorp Genetics (formerly Invitae), Labcorp
Classification: Pathogenic. Last evaluated: 2025-11-22. Review status: criteria provided, single submitter. Criteria: Invitae Variant Classification Sherloc (09022015). Collection method: clinical testing. Allele origin: germline.
Comment: This sequence change creates a premature translational stop signal (p.Arg60*) in the GORAB gene. It is expected to result in an absent or disrupted protein product. Loss-of-function variants in GORAB are known to be pathogenic (PMID: 18997784, 19681135). This variant is present in population databases (rs752751787, gnomAD 0.04%). This premature translational stop signal has been observed in individual(s) with geroderma osteodysplastica (PMID: 28807865). ClinVar contains an entry for this variant (Variation ID: 1703424). For these reasons, this variant has been classified as Pathogenic.

GeneDx
Classification: Pathogenic. Last evaluated: 2025-09-26. Review status: criteria provided, single submitter. Criteria: GeneDx Variant Classification Process June 2021. Collection method: clinical testing. Allele origin: germline.
Comment: Nonsense variant predicted to result in protein truncation or nonsense mediated decay in a gene for which loss of function is a known mechanism of disease; This variant is associated with the following publications: (PMID: 31980526, 37875969, 28807865)

Fulgent Genetics
Classification: Pathogenic for Geroderma osteodysplastica. Last evaluated: 2024-06-06. Review status: criteria provided, single submitter. Criteria: ACMG Guidelines, 2015. Collection method: clinical testing. Allele origin: germline.

Genome-Nilou Lab
Classification: Pathogenic for Geroderma osteodysplastica. Last evaluated: 2023-04-11. Review status: criteria provided, single submitter. Criteria: ACMG Guidelines, 2015. Collection method: clinical testing. Allele origin: germline. Affected: no.

Ambry Genetics
Classification: Pathogenic for Inborn genetic diseases. Last evaluated: 2022-06-29. Review status: criteria provided, single submitter. Criteria: Ambry Variant Classification Scheme 2023. Collection method: clinical testing. Allele origin: germline.
Comment: The c.178C>T (p.R60*) alteration, located in exon 2 (coding exon 2) of the GORAB gene, consists of a C to T substitution at nucleotide position 178. This changes the amino acid from a arginine (R) to a stop codon at amino acid position 60. This alteration is expected to result in loss of function by premature protein truncation or nonsense-mediated mRNA decay. This alteration was seen in the compound heterozygous state in a patient with geroderma osteodysplasticum (Takeda, 2017). Based on the available evidence, this alteration is classified as pathogenic.

Literature cited by the submitters: PubMed 18997784 (cited by Labcorp Genetics (formerly Invitae), Labcorp); PubMed 19681135 (cited by Labcorp Genetics (formerly Invitae), Labcorp); PubMed 28807865 (cited by Labcorp Genetics (formerly Invitae), Labcorp and Ambry Genetics).